The following is an entry in ClinVar:

ClinVar aggregate classification (germline): Conflicting classifications of pathogenicity. Review status: criteria provided, conflicting classifications (1 of 4 stars). 2 submissions from 2 submitters: Uncertain significance (1); Likely benign (1). Last evaluated 2025-12-14.

Conditions:
Hereditary breast ovarian cancer syndrome. Also called: BRCA1- and BRCA2-Associated Hereditary Breast and Ovarian Cancer; Hereditary breast and/or ovarian cancer syndrome; Hereditary breast and ovarian cancer syndrome (HBOC); Breast and ovarian cancer; Hereditary breast and ovarian cancer; Hereditary breast and ovarian cancer syndrome. Identifiers: Orphanet 145, MedGen C0677776, MeSH D061325, MONDO:0003582. Disease mechanism: loss of function.

Submissions (2):

Labcorp Genetics (formerly Invitae), Labcorp
Classification: Uncertain significance for Hereditary breast ovarian cancer syndrome. Last evaluated: 2025-12-14. Review status: criteria provided, single submitter. Criteria: Invitae Variant Classification Sherloc (09022015). Collection method: clinical testing. Allele origin: germline.
Comment: This sequence change falls in intron 25 of the BRCA2 gene. It does not directly change the encoded amino acid sequence of the BRCA2 protein. It affects a nucleotide within the consensus splice site. This variant is not present in population databases (gnomAD no frequency). This variant has not been reported in the literature in individuals affected with BRCA2-related conditions. ClinVar contains an entry for this variant (Variation ID: 673969). Variants that disrupt the consensus splice site are a relatively common cause of aberrant splicing (PMID: 17576681, 9536098). Algorithms developed to predict the effect of sequence changes on RNA splicing suggest that this variant is not likely to affect RNA splicing. In summary, the available evidence is currently insufficient to determine the role of this variant in disease. Therefore, it has been classified as a Variant of Uncertain Significance.

GeneDx
Classification: Likely benign. Last evaluated: 2018-06-18. Review status: criteria provided, single submitter. Criteria: GeneDx Variant Classification (06012015). Collection method: clinical testing. Allele origin: germline. Affected: yes.
Comment: This variant is considered likely benign or benign based on one or more of the following criteria: it is a conservative change, it occurs at a poorly conserved position in the protein, it is predicted to be benign by multiple in silico algorithms, and/or has population frequency not consistent with disease.

Literature cited by the submitters: PubMed 17576681 (cited by Labcorp Genetics (formerly Invitae), Labcorp); PubMed 9536098 (cited by Labcorp Genetics (formerly Invitae), Labcorp).

NM_000059.4(BRCA2):c.9501+5G>A

Gene: BRCA2 (BRCA2 DNA repair associated; plus strand). Cytogenetic location: 13q13.1.
Variant type: single nucleotide variant.
Coding change: c.9501+5G>A on transcript NM_000059.4 (MANE Select); 5 bases into the intron after coding-DNA position 9501, G replaced by A.
Molecular consequence: intron variant.
Genome position (GRCh38, 1-based): chr13:32,394,938, G>A. VCF-style: chr13-32394938-G-A. GRCh37 (hg19) VCF-style: chr13-32969075-G-A.
Identifiers: ClinVar variation 673969 (VCV000673969.2), dbSNP rs767936906, ClinGen allele CA247505361.
Genomic context (GRCh38, chr13:32,394,938, plus strand): 5'-GTCCAAAAGAGGGCCACTTTCAAGAGACATTCAACAAAATGAAAAATACTGTTGAGGTAA[G>A]GTTACTTTTCAGCATCACCACACATTTTGGTATTTTTCTATTTTGACAGTCCAGTATCAA-3'